The following is an entry in ClinVar:

NM_004738.5(VAPB):c.344T>C (p.Met115Thr)

Gene: VAPB (VAMP associated protein B and C; plus strand). Cytogenetic location: 20q13.32.
Variant type: single nucleotide variant.
Coding change: c.344T>C on transcript NM_004738.5 (MANE Select); coding-DNA position 344, T replaced by C.
Protein change: p.Met115Thr; replaces methionine 115 with threonine.
Molecular consequence: missense variant. On other transcripts: intron variant (1).
Genome position (GRCh38, 1-based): chr20:58,438,973, T>C. VCF-style: chr20-58438973-T-C. GRCh37 (hg19) VCF-style: chr20-57014029-T-C.
Other names: c.212-5104T>C (NM_001195677.2); short protein forms M115T.
Identifiers: ClinVar variation 2934287 (VCV002934287.3), dbSNP rs2123096677, ClinGen allele CA409439362.

ClinVar aggregate classification (germline): Uncertain significance (1 of 4 stars; one submission).

Conditions:
Amyotrophic lateral sclerosis type 8 (ALS8). Identifiers: Orphanet 803, MedGen C1837728, MONDO:0012077, OMIM 608627.
Adult-onset proximal spinal muscular atrophy, autosomal dominant. Also called: FINKEL LATE-ADULT TYPE SMA; Spinal muscular atrophy, late-onset, finkel type. Identifiers: Orphanet 209335, MedGen C1854058, MONDO:0008453, OMIM 182980.

Allele frequency attached by ClinVar (database versions not stated): gnomAD exomes below 0.00001.

Submission:

Labcorp Genetics (formerly Invitae), Labcorp
Classification: Uncertain significance for Adult-onset proximal spinal muscular atrophy, autosomal dominant; Amyotrophic lateral sclerosis type 8. Last evaluated: 2023-05-11. Review status: criteria provided, single submitter. Criteria: Invitae Variant Classification Sherloc (09022015). Collection method: clinical testing. Allele origin: germline.
Comment: In summary, the available evidence is currently insufficient to determine the role of this variant in disease. Therefore, it has been classified as a Variant of Uncertain Significance. This sequence change replaces methionine, which is neutral and non-polar, with threonine, which is neutral and polar, at codon 115 of the VAPB protein (p.Met115Thr). This variant is not present in population databases (gnomAD no frequency). This variant has not been reported in the literature in individuals affected with VAPB-related conditions. Advanced modeling of protein sequence and biophysical properties (such as structural, functional, and spatial information, amino acid conservation, physicochemical variation, residue mobility, and thermodynamic stability) performed at Invitae indicates that this missense variant is expected to disrupt VAPB protein function.